The following is an entry in ClinVar:

NM_000392.5(ABCC2):c.3928C>T (p.Arg1310Ter)

Gene: ABCC2 (ATP binding cassette subfamily C member 2; plus strand). Cytogenetic location: 10q24.2.
Variant type: single nucleotide variant.
Coding change: c.3928C>T on transcript NM_000392.5 (MANE Select); coding-DNA position 3928, C replaced by T.
Protein change: p.Arg1310Ter; replaces arginine 1310 with a stop codon.
Molecular consequence: nonsense.
Genome position (GRCh38, 1-based): chr10:99,844,406, C>T. VCF-style: chr10-99844406-C-T. GRCh37 (hg19) VCF-style: chr10-101604163-C-T.
Other names: c.3928C>T (NM_000392.4); short protein forms R1310*.
Identifiers: ClinVar variation 2735470 (VCV002735470.8), dbSNP rs66898362, ClinGen allele CA5643988.

ClinVar aggregate classification (germline): Pathogenic. Review status: criteria provided, multiple submitters, no conflicts (2 of 4 stars). 3 submissions from 3 submitters: Pathogenic (2). 1 of the submissions does not count toward it. Last evaluated 2023-08-02.

Conditions:
Dubin-Johnson syndrome (DJS). Also called: HYPERBILIRUBINEMIA, DUBIN-JOHNSON TYPE; Hyperbilirubinemia type 2; Jaundice, Chronic Idiopathic. Identifiers: Orphanet 234, MedGen C0022350, MONDO:0009380, OMIM 237500.
ABCC2-related disorder. Also called: ABCC2-related condition.

Allele frequency attached by ClinVar (database versions not stated): ExAC 0.00003; 1000 Genomes Project 30x 0.00031; 1000 Genomes Project 0.00040.
gnomAD v4.1: 27 of 1,614,168 alleles (0.0017%); highest among the groups gnomAD compares: East Asian, 0.029%; no homozygotes.

Submissions (3):

Labcorp Genetics (formerly Invitae), Labcorp
Classification: Pathogenic. Last evaluated: 2023-08-02. Review status: criteria provided, single submitter. Criteria: Invitae Variant Classification Sherloc (09022015). Collection method: clinical testing. Allele origin: germline.
Comment: For these reasons, this variant has been classified as Pathogenic. This premature translational stop signal has been observed in individual(s) with Dubin-Johnson syndrome (PMID: 12087194). This variant is present in population databases (rs66898362, gnomAD 0.02%). This sequence change creates a premature translational stop signal (p.Arg1310*) in the ABCC2 gene. It is expected to result in an absent or disrupted protein product. Loss-of-function variants in ABCC2 are known to be pathogenic (PMID: 9185779, 16549534, 16952291).

Juno Genomics, Hangzhou Juno Genomics, Inc
Classification: Pathogenic for Dubin-Johnson syndrome. Review status: criteria provided, single submitter. Criteria: ACMG Guidelines, 2015. Collection method: clinical testing. Allele origin: germline. Affected: yes.
Comment: Absent from controls (or at extremely low frequency if recessive) in Genome Aggregation Database, Exome Sequencing Project, 1000 Genomes Project, or Exome Aggregation Consortium.;Null variant in a gene where loss of function (LOF) is a known mechanism of disease.;For recessive disorders, detected in trans with a pathogenic variant.;Patient's phenotype or family history is highly specific for a disease with a single genetic etiology.

PreventionGenetics, part of Exact Sciences
Classification: Pathogenic for ABCC2-related condition. Last evaluated: 2024-01-24. Review status: no assertion criteria provided. Collection method: clinical testing. Allele origin: germline. Not counted in ClinVar's aggregate classification.
Comment: The ABCC2 c.3928C>T variant is predicted to result in premature protein termination (p.Arg1310*). This variant has been reported in the compound heterozygous state in multiple unrelated individuals with Dubin-Johnson syndrome (Figs 2-4, Tate et al. 2002. PubMed ID: 12087194; Table 2, Kim et al. 2020. PubMed ID: 32758197; Uchiumi et al. 2013. PubMedID: 23045960). This variant is reported in 0.020% of alleles in individuals of East Asian descent in gnomAD. Nonsense variants in ABCC2 are expected to be pathogenic. This variant is interpreted as pathogenic.

Literature cited by the submitters: PubMed 12087194 (cited by Labcorp Genetics (formerly Invitae), Labcorp); PubMed 9185779 (cited by Labcorp Genetics (formerly Invitae), Labcorp); PubMed 16549534 (cited by Labcorp Genetics (formerly Invitae), Labcorp); PubMed 16952291 (cited by Labcorp Genetics (formerly Invitae), Labcorp).